The following is an entry in ClinVar:

NM_004738.5(VAPB):c.594G>A (p.Met198Ile)

Gene: VAPB (VAMP associated protein B and C; plus strand). Cytogenetic location: 20q13.32.
Variant type: single nucleotide variant.
Coding change: c.594G>A on transcript NM_004738.5 (MANE Select); coding-DNA position 594, G replaced by A.
Protein change: p.Met198Ile; replaces methionine 198 with isoleucine.
Molecular consequence: missense variant. On other transcripts: non-coding transcript variant (1).
Genome position (GRCh38, 1-based): chr20:58,444,097, G>A. VCF-style: chr20-58444097-G-A. GRCh37 (hg19) VCF-style: chr20-57019153-G-A.
Other names: c.232G>A, p.Glu78Lys (NM_001195677.2); short protein forms M198I, E78K.
Identifiers: ClinVar variation 4788431 (VCV004788431.1).
Genomic context (GRCh38, chr20:58,444,097, plus strand): 5'-TGCCTTGGCTTGTCTTTGAAATGTGCGTTTGCTCCCGTAGGAAGAAGATGGACTGCGGAT[G>A]AGGAAGACAGTGCAGAGCAACAGCCCCATTTCAGCATTAGCCCCAACTGGGAAGGAAGAA-3'
Protein context (NP_004729.1, residues 188-208): KQFKEEDGLR[Met198Ile]RKTVQSNSPI

ClinVar aggregate classification (germline): Uncertain significance (1 of 4 stars; one submission).

Conditions:
Amyotrophic lateral sclerosis type 8 (ALS8). Identifiers: Orphanet 803, MedGen C1837728, MONDO:0012077, OMIM 608627.
Adult-onset proximal spinal muscular atrophy, autosomal dominant. Also called: Spinal muscular atrophy, late-onset, finkel type; FINKEL LATE-ADULT TYPE SMA. Identifiers: Orphanet 209335, MedGen C1854058, MONDO:0008453, OMIM 182980.

Submission:

Labcorp Genetics (formerly Invitae), Labcorp
Classification: Uncertain significance for Adult-onset proximal spinal muscular atrophy, autosomal dominant; Amyotrophic lateral sclerosis type 8. Last evaluated: 2025-12-13. Review status: criteria provided, single submitter. Criteria: Invitae Variant Classification Sherloc (09022015). Collection method: clinical testing. Allele origin: germline.
Comment: This sequence change replaces methionine, which is neutral and non-polar, with isoleucine, which is neutral and non-polar, at codon 198 of the VAPB protein (p.Met198Ile). This variant is not present in population databases (gnomAD no frequency). This variant has not been reported in the literature in individuals affected with VAPB-related conditions. Invitae Evidence Modeling of protein sequence and biophysical properties (such as structural, functional, and spatial information, amino acid conservation, physicochemical variation, residue mobility, and thermodynamic stability) indicates that this missense variant is not expected to disrupt VAPB protein function with a negative predictive value of 80%. In summary, the available evidence is currently insufficient to determine the role of this variant in disease. Therefore, it has been classified as a Variant of Uncertain Significance.